The following is an entry in ClinVar:

NM_005458.8(GABBR2):c.882C>T (p.His294=)

Gene: GABBR2 (gamma-aminobutyric acid type B receptor subunit 2; minus strand). Cytogenetic location: 9q22.33.
Variant type: single nucleotide variant.
Coding change: c.882C>T on transcript NM_005458.8 (MANE Select); coding-DNA position 882, C replaced by T.
Protein change: p.His294=; no amino-acid change (histidine 294 retained).
Molecular consequence: synonymous variant.
Genome position (GRCh38, 1-based): chr9:98,473,263, G>A on the plus strand (C>T on the coding strand, the complement: GABBR2 is on the minus strand). VCF-style: chr9-98473263-G-A. GRCh37 (hg19) VCF-style: chr9-101235545-G-A.
Identifiers: ClinVar variation 1165331 (VCV001165331.42), dbSNP rs200727904, ClinGen allele CA5152858.

ClinVar aggregate classification (germline): Benign/Likely benign. Review status: criteria provided, multiple submitters, no conflicts (2 of 4 stars). 4 submissions from 4 submitters: Benign (2); Likely benign (2). Last evaluated 2025-12-02.

Conditions:
Epileptic encephalopathy. Identifiers: MedGen C0543888, HP:0200134.

Allele frequency attached by ClinVar (database versions not stated): gnomAD 0.00004 and 0.00005; gnomAD exomes 0.00009 and 0.00014; ExAC 0.00013.
gnomAD v4.1: 142 of 1,611,500 alleles (0.0088%); highest among the groups gnomAD compares: South Asian, 0.075%; no homozygotes.

Submissions (4):

Labcorp Genetics (formerly Invitae), Labcorp
Classification: Benign for Epileptic encephalopathy. Last evaluated: 2025-12-02. Review status: criteria provided, single submitter. Criteria: Invitae Variant Classification Sherloc (09022015). Collection method: clinical testing. Allele origin: germline.

Blueprint Genetics
Classification: Likely benign. Last evaluated: 2024-09-19. Review status: criteria provided, single submitter. Criteria: ACMG Guidelines, 2015. Collection method: clinical testing. Allele origin: germline.

CeGaT Center for Human Genetics Tuebingen
Classification: Likely benign. Last evaluated: 2022-12-01. Review status: criteria provided, single submitter. Criteria: CeGaT Center For Human Genetics Tuebingen Variant Classification Criteria Version 2. Collection method: clinical testing. Allele origin: germline. Affected: yes. Observed: 1 variant allele.
Comment: GABBR2: BP4, BP7

GeneDx
Classification: Benign. Last evaluated: 2020-08-05. Review status: criteria provided, single submitter. Criteria: GeneDx Variant Classification Process June 2021. Collection method: clinical testing. Allele origin: germline. Affected: yes.